The following is an entry in ClinVar:

ClinVar aggregate classification (germline): Pathogenic. Review status: criteria provided, single submitter (1 of 4 stars). 2 submissions from 2 submitters: Pathogenic (1). 1 of the submissions does not count toward it. Last evaluated 2024-03-01.

Conditions:
Inclusion body myopathy with Paget disease of bone and frontotemporal dementia type 1. Also called: MULTISYSTEM PROTEINOPATHY 1; Inclusion body myopathy with early-onset Paget disease and frontotemporal dementia 1; Inclusion body myopathy with early-onset Paget disease with or without frontotemporal dementia 1. Identifiers: MedGen C4551951, MONDO:0008178, OMIM 167320.
Frontotemporal dementia and/or amyotrophic lateral sclerosis 6 (FTDALS6). Also called: VCP-Related Amyotrophic Lateral Sclerosis/Frontotemporal Dementia; VCP-Related Amyotrophic Lateral Sclerosis. Identifiers: Orphanet 275872, Orphanet 803, MedGen C5436279, MONDO:0013501, OMIM 613954.
Inclusion body myopathy with Paget disease of bone and frontotemporal dementia. Also called: Inclusion body myopathy with early-onset Paget disease and frontotemporal dementia. Identifiers: Orphanet 52430, MedGen C1833662, MONDO:0000507.

Submissions (2):

Labcorp Genetics (formerly Invitae), Labcorp
Classification: Pathogenic for Inclusion body myopathy with Paget disease of bone and frontotemporal dementia; Frontotemporal dementia and/or amyotrophic lateral sclerosis 6. Last evaluated: 2024-03-01. Review status: criteria provided, single submitter. Criteria: Invitae Variant Classification Sherloc (09022015). Collection method: clinical testing. Allele origin: germline.
Comment: This sequence change replaces arginine, which is basic and polar, with glycine, which is neutral and non-polar, at codon 95 of the VCP protein (p.Arg95Gly). This variant is not present in population databases (gnomAD no frequency). This missense change has been observed in individual(s) with inclusion body myopathy, Paget's disease of the bone, and frontotemporal dementia (PMID: 15034582, 22909335). It has also been observed to segregate with disease in related individuals. ClinVar contains an entry for this variant (Variation ID: 8471). Advanced modeling of protein sequence and biophysical properties (such as structural, functional, and spatial information, amino acid conservation, physicochemical variation, residue mobility, and thermodynamic stability) performed at Invitae indicates that this missense variant is expected to disrupt VCP protein function with a positive predictive value of 95%. Experimental studies have shown that this missense change affects VCP function (PMID: 19237541, 23333620, 24196964, 27226613). This variant disrupts the p.Arg95 amino acid residue in VCP. Other variant(s) that disrupt this residue have been determined to be pathogenic (PMID: 25617006; Invitae). This suggests that this residue is clinically significant, and that variants that disrupt this residue are likely to be disease-causing. For these reasons, this variant has been classified as Pathogenic.

OMIM
Classification: Pathogenic for INCLUSION BODY MYOPATHY WITH EARLY-ONSET PAGET DISEASE AND FRONTOTEMPORAL DEMENTIA 1. Last evaluated: 2006-01-15. Review status: no assertion criteria provided. Collection method: literature only. Allele origin: germline. Not counted in ClinVar's aggregate classification.

Literature cited by the submitters: PubMed 15034582 (cited by Labcorp Genetics (formerly Invitae), Labcorp and OMIM); PubMed 22909335 (cited by Labcorp Genetics (formerly Invitae), Labcorp); PubMed 19237541 (cited by Labcorp Genetics (formerly Invitae), Labcorp); PubMed 23333620 (cited by Labcorp Genetics (formerly Invitae), Labcorp); PubMed 24196964 (cited by Labcorp Genetics (formerly Invitae), Labcorp); PubMed 27226613 (cited by Labcorp Genetics (formerly Invitae), Labcorp); PubMed 25617006 (cited by Labcorp Genetics (formerly Invitae), Labcorp); PubMed 16321991 (cited by OMIM).

NM_007126.5(VCP):c.283C>G (p.Arg95Gly)

Gene: VCP (valosin containing protein; minus strand). Cytogenetic location: 9p13.3.
Variant type: single nucleotide variant.
Coding change: c.283C>G on transcript NM_007126.5 (MANE Select); coding-DNA position 283, C replaced by G.
Protein change: p.Arg95Gly; replaces arginine 95 with glycine.
Molecular consequence: missense variant.
Genome position (GRCh38, 1-based): chr9:35,067,910, G>C on the plus strand (C>G on the coding strand, the complement: VCP is on the minus strand). VCF-style: chr9-35067910-G-C. GRCh37 (hg19) VCF-style: chr9-35067907-G-C.
Other names: c.148C>G, p.Arg50Gly (NM_001354927.2, NM_001354928.2); short protein forms R95G, R50G.
Identifiers: ClinVar variation 8471 (VCV000008471.4), dbSNP rs121909332, ClinGen allele CA254402.
Genomic context (GRCh38, chr9:35,067,910, plus strand): 5'-CTGGCCTCCCATCCCTGTGAAGCCAAAAACCCCACACACACCTGATGACATCCCCTAGGC[G>C]TACACGAAGGTTATTCCGAACAACTCTATTCATCCGAATCTTCTCATCAGAACAAGTATC-3'
Protein context (NP_009057.1, residues 85-105): NRVVRNNLRV[Arg95Gly]LGDVISIQPC